The following is an entry in ClinVar:

ClinVar aggregate classification (germline): Pathogenic (1 of 4 stars; one submission).

Allele frequency attached by ClinVar (database versions not stated): TOPMed below 0.00001.

Submission:

Labcorp Genetics (formerly Invitae), Labcorp
Classification: Pathogenic. Last evaluated: 2022-06-10. Review status: criteria provided, single submitter. Criteria: Invitae Variant Classification Sherloc (09022015). Collection method: clinical testing. Allele origin: germline.
Comment: This variant has not been reported in the literature in individuals affected with ADGRV1-related conditions. This variant is not present in population databases (gnomAD no frequency). This sequence change creates a premature translational stop signal (p.Ser6039Thrfs*31) in the ADGRV1 gene. It is expected to result in an absent or disrupted protein product. Loss-of-function variants in ADGRV1 are known to be pathogenic (PMID: 19357117, 22135276, 22147658, 26226137, 26667666, 30029497, 32467589). For these reasons, this variant has been classified as Pathogenic.

Literature cited by the submitters: PubMed 19357117; PubMed 22135276; PubMed 22147658; PubMed 26226137; PubMed 26667666; PubMed 30029497; PubMed 32467589.

NM_032119.4(ADGRV1):c.18116del (p.Ser6039fs)

Gene: ADGRV1 (adhesion G protein-coupled receptor V1; plus strand). Cytogenetic location: 5q14.3.
Variant type: Deletion.
Coding change: c.18116del on transcript NM_032119.4 (MANE Select); coding-DNA position 18116, one base deleted (G; older notation c.18116delG).
Protein change: p.Ser6039fs; shifts the reading frame from serine 6039.
Molecular consequence: frameshift variant. On other transcripts: non-coding transcript variant (1).
Genome position (GRCh38, 1-based): chr5:90,985,486, G deleted. VCF-style (leftmost placement, unchanged base first): chr5-90985485-AG-A. GRCh37 (hg19) VCF-style: chr5-90281302-AG-A.
Other names: short protein forms S6039fs.
Identifiers: ClinVar variation 2004593 (VCV002004593.4), dbSNP rs1780417016, ClinGen allele CA1562990525.